The following is an entry in ClinVar:

NM_001378454.1(ALMS1):c.12192G>A (p.Gln4064=)

Genes: ALMS1 (ALMS1 centrosome and basal body associated protein; plus strand), LOC126806252 (BRD4-independent group 4 enhancer GRCh37_chr2:73828496-73829695; plus strand). Cytogenetic location: 2p13.1.
Variant type: single nucleotide variant.
Coding change: c.12192G>A on transcript NM_001378454.1 (MANE Select); coding-DNA position 12192, G replaced by A.
Protein change: p.Gln4064=; no amino-acid change (glutamine 4064 retained).
Molecular consequence: synonymous variant.
Genome position (GRCh38, 1-based): chr2:73,602,262, G>A. VCF-style: chr2-73602262-G-A. GRCh37 (hg19) VCF-style: chr2-73829389-G-A.
Other names: c.12195G>A, p.Gln4065= (NM_015120.4).
Identifiers: ClinVar variation 3033226 (VCV003033226.1), dbSNP rs1675711804, ClinGen allele CA426784072.

ClinVar aggregate classification (germline): Likely benign (1 of 4 stars; one submission).

Conditions:
ALMS1-related disorder. Also called: ALMS1-related condition.

Submission:

PreventionGenetics, part of Exact Sciences
Classification: Likely benign for ALMS1-related condition. Last evaluated: 2019-06-14. Review status: criteria provided, single submitter. Criteria: ACMG Guidelines, 2015. Collection method: clinical testing. Allele origin: germline.
Comment: This variant is classified as likely benign based on ACMG/AMP sequence variant interpretation guidelines (Richards et al. 2015 PMID: 25741868, with internal and published modifications).